The following is an entry in ClinVar:

NM_006767.4(LZTR1):c.898G>T (p.Gly300Trp)

Gene: LZTR1 (leucine zipper like post translational regulator 1; plus strand). Cytogenetic location: 22q11.21.
Variant type: single nucleotide variant.
Coding change: c.898G>T on transcript NM_006767.4 (MANE Select); coding-DNA position 898, G replaced by T.
Protein change: p.Gly300Trp; replaces glycine 300 with tryptophan.
Molecular consequence: missense variant.
Genome position (GRCh38, 1-based): chr22:20,991,734, G>T. VCF-style: chr22-20991734-G-T. GRCh37 (hg19) VCF-style: chr22-21346023-G-T.
Other names: short protein forms G300W.
Identifiers: ClinVar variation 2580041 (VCV002580041.5), dbSNP rs1569156022, ClinGen allele CA410781378.

ClinVar aggregate classification (germline): Uncertain significance. Review status: criteria provided, multiple submitters, no conflicts (2 of 4 stars). 4 submissions from 4 submitters: Uncertain significance (4). Last evaluated 2026-03-31.

Conditions:
Hereditary cancer-predisposing syndrome. Also called: Tumor predisposition; Neoplastic Syndromes, Hereditary; Hereditary Cancer Syndrome; Hereditary neoplastic syndrome. Identifiers: Orphanet 140162, MedGen C0027672, MeSH D009386, MONDO:0015356.
Cardiovascular phenotype. Identifiers: MedGen CN230736.
LZTR1-related schwannomatosis. Also called: Schwannomatosis 2; Schwannomatosis-2, susceptibility to. Identifiers: Orphanet 93921, MedGen C3810283, MONDO:0014299, OMIM 615670.
Noonan syndrome 10 (NS10). Identifiers: Orphanet 648, MedGen C4225280, MONDO:0014693, OMIM 616564.

Allele frequency attached by ClinVar (database versions not stated): gnomAD exomes below 0.00001.
gnomAD v4.1: 1 of 1,577,324 alleles (0.000063%); highest among the groups gnomAD compares: East Asian, 0.0023%; no homozygotes.

Submissions (4):

Ambry Genetics
Classification: Uncertain significance for Cardiovascular phenotype; Hereditary cancer-predisposing syndrome. Last evaluated: 2026-03-31. Review status: criteria provided, single submitter. Criteria: Ambry Variant Classification Scheme 2023. Collection method: clinical testing. Allele origin: germline.
Comment: The p.G300W variant (also known as c.898G>T), located in coding exon 9 of the LZTR1 gene, results from a G to T substitution at nucleotide position 898. The glycine at codon 300 is replaced by tryptophan, an amino acid with highly dissimilar properties. This amino acid position is highly conserved in available vertebrate species. In addition, this alteration is predicted to be deleterious by in silico analysis. Based on the available evidence, the clinical significance of this variant remains unclear.

Clinical Genomics Laboratory, Washington University in St. Louis
Classification: Uncertain significance for Noonan syndrome 10; LZTR1-related schwannomatosis. Last evaluated: 2025-10-31. Review status: criteria provided, single submitter. Criteria: ACMG Guidelines, 2015. Collection method: clinical testing. Allele origin: germline.
Comment: An LZTR1 c.898G>T (p.Gly300Trp) variant was identified at a heterozygous allelic fraction of 50.8%, a frequency which may be consistent with it being of germline origin. The LZTR1 c.898G>T (p.Gly300Trp) variant, to our knowledge, has not been reported in the medical literature. This variant has been reported in the ClinVar database as a germline variant of uncertain significance by two submitters (ClinVar ID: 2580041). It is only observed on 1/1,577,324 alleles in the general population (gnomAD v4.1.0), indicating it is not a common variant. Computational predictors indicate that the variant is damaging, evidence that correlates with the impact on LZTR1 function. Due to limited information, and based on the ACMG/AMP guidelines for variant interpretation (Richards S et al., PMID: 25741868) and the ClinGen RASpathy variant curation expert panel, the clinical significance of this variant is uncertain at this time.

Labcorp Genetics (formerly Invitae), Labcorp
Classification: Uncertain significance. Last evaluated: 2024-02-02. Review status: criteria provided, single submitter. Criteria: Invitae Variant Classification Sherloc (09022015). Collection method: clinical testing. Allele origin: germline.
Comment: This sequence change replaces glycine, which is neutral and non-polar, with tryptophan, which is neutral and slightly polar, at codon 300 of the LZTR1 protein (p.Gly300Trp). This variant is not present in population databases (gnomAD no frequency). This variant has not been reported in the literature in individuals affected with LZTR1-related conditions. ClinVar contains an entry for this variant (Variation ID: 2580041). Advanced modeling of protein sequence and biophysical properties (such as structural, functional, and spatial information, amino acid conservation, physicochemical variation, residue mobility, and thermodynamic stability) performed at Invitae indicates that this missense variant is not expected to disrupt LZTR1 protein function with a negative predictive value of 80%. In summary, the available evidence is currently insufficient to determine the role of this variant in disease. Therefore, it has been classified as a Variant of Uncertain Significance.

GeneDx
Classification: Uncertain significance. Last evaluated: 2023-03-14. Review status: criteria provided, single submitter. Criteria: GeneDx Variant Classification Process June 2021. Collection method: clinical testing. Allele origin: germline. Affected: yes.
Comment: Not observed at significant frequency in large population cohorts (gnomAD); In silico analysis supports that this missense variant has a deleterious effect on protein structure/function; Has not been previously published as pathogenic or benign to our knowledge

Literature cited by the submitters: uncertain (cited by Clinical Genomics Laboratory, Washington University in St. Louis).